The following is an entry in ClinVar:

ClinVar aggregate classification (germline): Uncertain significance (1 of 4 stars; one submission).

Conditions:
Arrhythmogenic right ventricular dysplasia 12. Also called: ARRHYTHMOGENIC RIGHT VENTRICULAR DYSPLASIA, FAMILIAL, 12. Identifiers: MedGen C1969081, MONDO:0012684, OMIM 611528.
Naxos disease (NXD). Also called: KERATOSIS PALMOPLANTARIS WITH ARRHYTHMOGENIC CARDIOMYOPATHY; MAL DE NAXOS; PALMOPLANTAR KERATODERMA WITH ARRHYTHMOGENIC RIGHT VENTRICULAR CARDIOMYOPATHY AND WOOLLY HAIR; CARDIOMYOPATHY, ARRHYTHMOGENIC RIGHT VENTRICULAR, WITH SKIN, HAIR, AND NAIL ABNORMALITIES; WOOLLY HAIR, PALMOPLANTAR KERATODERMA, AND CARDIAC ABNORMALITIES. Identifiers: Orphanet 34217, MedGen C1832600, MONDO:0011017, OMIM 601214.

Allele frequency attached by ClinVar (database versions not stated): TOPMed below 0.00001; gnomAD 0.00001.
gnomAD v4.1: 2 of 1,613,568 alleles (0.00012%); highest among the groups gnomAD compares: Non-Finnish European, 0.00017%; no homozygotes.

Submission:

Labcorp Genetics (formerly Invitae), Labcorp
Classification: Uncertain significance for Arrhythmogenic right ventricular dysplasia 12; Naxos disease. Last evaluated: 2019-12-19. Review status: criteria provided, single submitter. Criteria: Invitae Variant Classification Sherloc (09022015). Collection method: clinical testing. Allele origin: germline.
Comment: In summary, the available evidence is currently insufficient to determine the role of this variant in disease. Therefore, it has been classified as a Variant of Uncertain Significance. Algorithms developed to predict the effect of missense changes on protein structure and function (SIFT, PolyPhen-2, Align-GVGD) all suggest that this variant is likely to be tolerated, but these predictions have not been confirmed by published functional studies and their clinical significance is uncertain. This variant has not been reported in the literature in individuals with JUP-related conditions. This variant is not present in population databases (ExAC no frequency). This sequence change replaces proline with alanine at codon 366 of the JUP protein (p.Pro366Ala). The proline residue is moderately conserved and there is a small physicochemical difference between proline and alanine.

NM_002230.4(JUP):c.1096C>G (p.Pro366Ala)

Gene: JUP (junction plakoglobin; minus strand). Cytogenetic location: 17q21.2.
Variant type: single nucleotide variant.
Coding change: c.1096C>G on transcript NM_002230.4 (MANE Select); coding-DNA position 1096, C replaced by G.
Protein change: p.Pro366Ala; replaces proline 366 with alanine.
Molecular consequence: missense variant.
Genome position (GRCh38, 1-based): chr17:41,764,775, G>C on the plus strand (C>G on the coding strand, the complement: JUP is on the minus strand). VCF-style: chr17-41764775-G-C. GRCh37 (hg19) VCF-style: chr17-39921027-G-C.
Other names: c.1096C>G, p.Pro366Ala (NM_001352773.2, NM_001352774.2, NM_001352775.2 and 3 more transcripts); short protein forms P366A.
Identifiers: ClinVar variation 858872 (VCV000858872.10), dbSNP rs782690097, ClinGen allele CA399498909.